The following is an entry in ClinVar:

ClinVar aggregate classification (germline): Likely benign. Review status: criteria provided, single submitter (1 of 4 stars). 2 submissions from 2 submitters: Likely benign (1). 1 of the submissions does not count toward it. Last evaluated 2023-01-01.

Conditions:
CUL9-related disorder. Also called: CUL9-related condition.

Allele frequency attached by ClinVar (database versions not stated): 1000 Genomes Project 30x 0.00390; 1000 Genomes Project 0.00419; TOPMed 0.00632; gnomAD 0.00687; ExAC 0.00725; ESP Exome Variant Server 0.00807; gnomAD exomes 0.00914.
gnomAD v4.1: 14,350 of 1,612,338 alleles (0.89%); highest among the groups gnomAD compares: Middle Eastern, 1.1%; 81 homozygotes.

Submissions (2):

CeGaT Center for Human Genetics Tuebingen
Classification: Likely benign. Last evaluated: 2023-01-01. Review status: criteria provided, single submitter. Criteria: CeGaT Center For Human Genetics Tuebingen Variant Classification Criteria Version 2. Collection method: clinical testing. Allele origin: germline. Affected: yes. Observed: 1 variant allele.
Comment: CUL9: BP4, BS2

PreventionGenetics, part of Exact Sciences
Classification: Benign for CUL9-related condition. Last evaluated: 2019-02-26. Review status: no assertion criteria provided. Collection method: clinical testing. Allele origin: germline. Not counted in ClinVar's aggregate classification.
Comment: This variant is classified as benign based on ACMG/AMP sequence variant interpretation guidelines (Richards et al. 2015 PMID: 25741868, with internal and published modifications).

NM_015089.4(CUL9):c.1589G>C (p.Gly530Ala)

Gene: CUL9 (cullin 9; plus strand). Cytogenetic location: 6p21.1.
Variant type: single nucleotide variant.
Coding change: c.1589G>C on transcript NM_015089.4 (MANE Select); coding-DNA position 1589, G replaced by C.
Protein change: p.Gly530Ala; replaces glycine 530 with alanine.
Molecular consequence: missense variant.
Genome position (GRCh38, 1-based): chr6:43,187,720, G>C. VCF-style: chr6-43187720-G-C. GRCh37 (hg19) VCF-style: chr6-43155458-G-C.
Other names: c.1589G>C (NM_015089.3); short protein forms G530A.
Identifiers: ClinVar variation 2656581 (VCV002656581.25), dbSNP rs61739483, ClinGen allele CA3817347.